The following is an entry in ClinVar:

ClinVar aggregate classification (germline): Uncertain significance (1 of 4 stars; one submission).

Submission:

Laboratory for Molecular Medicine, Mass General Brigham Personalized Medicine
Classification: Uncertain significance. Last evaluated: 2010-08-05. Review status: criteria provided, single submitter. Criteria: LMM Criteria. Collection method: clinical testing. Allele origin: germline. Observed: 1 variant allele.
Comment: Variant classified as Uncertain Significance - Favor Benign. The 3373+3A>G varia nt has not been reported in the literature nor previously identified by our labo ratory. This variant is located in the 5' splice region but does not affect the invariant +1 and +2 positions. Although position +3 is part of the splicing cons ensus sequence, A or G are both common nucleotides at this site suggesting this variant is less likely to disrupt splicing. It should also be noted that this la b has only sequenced the PCDH15 in 60 Caucasian individuals such that the full s pectrum of benign variation has not yet been defined for this gene, increasing t he possibility that this may be a benign variant. In summary, the clinical signi ficance of this variant cannot be determined with certainty at this time; howeve r, we would lean towards a more likely benign role.

NM_001384140.1(PCDH15):c.3373+3A>G

Gene: PCDH15 (protocadherin related 15; minus strand). Cytogenetic location: 10q21.1.
Variant type: single nucleotide variant.
Coding change: c.3373+3A>G on transcript NM_001384140.1 (MANE Select); 3 bases into the intron after coding-DNA position 3373, A replaced by G.
Molecular consequence: intron variant.
Genome position (GRCh38, 1-based): chr10:53,938,812, T>C on the plus strand (A>G on the coding strand, the complement: PCDH15 is on the minus strand). VCF-style: chr10-53938812-T-C. GRCh37 (hg19) VCF-style: chr10-55698572-T-C.
Other names: c.3373+3A>G (NM_001354420.2, NM_001354429.2, NM_001142772.2 and 4 more transcripts); c.3388+3A>G (NM_001142771.2, NM_001142763.2); c.3394+3A>G (NM_001354411.2); c.3409+3A>G (NM_001142769.3); c.3307+3A>G (NM_001354404.2, NM_001142773.2, NM_001142768.2); c.3262+3A>G (NM_001142767.2); c.3160+3A>G (NM_001142765.2).
Identifiers: ClinVar variation 46465 (VCV000046465.5), dbSNP rs397517456, ClinGen allele CA138412.